The following is an entry in ClinVar:

NM_004456.5(EZH2):c.1452A>G (p.Pro484=)

Gene: EZH2 (enhancer of zeste 2 polycomb repressive complex 2 subunit; minus strand). Cytogenetic location: 7q36.1.
Variant type: single nucleotide variant.
Coding change: c.1452A>G on transcript NM_004456.5 (MANE Select); coding-DNA position 1452, A replaced by G.
Protein change: p.Pro484=; no amino-acid change (proline 484 retained).
Molecular consequence: synonymous variant.
Genome position (GRCh38, 1-based): chr7:148,816,737, T>C on the plus strand (A>G on the coding strand, the complement: EZH2 is on the minus strand). VCF-style: chr7-148816737-T-C. GRCh37 (hg19) VCF-style: chr7-148513829-T-C.
Other names: c.1437A>G, p.Pro479= (NM_001203247.2); c.1410A>G, p.Pro470= (NM_001203248.2, NM_001203249.2); c.1320A>G, p.Pro440= (NM_152998.3).
Identifiers: ClinVar variation 696883 (VCV000696883.13), dbSNP rs148524884, ClinGen allele CA4547880.

ClinVar aggregate classification (germline): Benign/Likely benign. Review status: criteria provided, multiple submitters, no conflicts (2 of 4 stars). 3 submissions from 3 submitters: Benign (1); Likely benign (2). Last evaluated 2026-06-26.

Conditions:
Weaver syndrome (WVS). Also called: Weaver Smith syndrome; Overgrowth syndrome with accelerated skeletal maturation, unusual facies, and camptodactyly. Identifiers: Orphanet 3447, MedGen C0265210, MONDO:0010193, OMIM 277590.
EZH2-related disorder.

Allele frequency attached by ClinVar (database versions not stated): gnomAD exomes 0.00007 and 0.00015; ExAC 0.00016; ESP Exome Variant Server 0.00031; 1000 Genomes Project 0.00040; gnomAD 0.00042 and 0.00048; 1000 Genomes Project 30x 0.00062; TOPMed 0.00062.
gnomAD v4.1: 164 of 1,614,164 alleles (0.01%); highest among the groups gnomAD compares: African/African-American, 0.19%; no homozygotes.

Submissions (3):

PreventionGenetics, part of Exact Sciences
Classification: Likely benign for EZH2-related condition. Last evaluated: 2026-06-26. Review status: criteria provided, single submitter. Criteria: ACMG Guidelines, 2015. Collection method: clinical testing. Allele origin: germline.
Comment: This variant is classified as likely benign based on ACMG/AMP sequence variant interpretation guidelines (Richards et al. 2015 PMID: 25741868, with internal and published modifications).

Labcorp Genetics (formerly Invitae), Labcorp
Classification: Benign for Weaver syndrome. Last evaluated: 2025-12-01. Review status: criteria provided, single submitter. Criteria: Invitae Variant Classification Sherloc (09022015). Collection method: clinical testing. Allele origin: germline.

Blueprint Genetics
Classification: Likely benign. Last evaluated: 2023-12-18. Review status: criteria provided, single submitter. Criteria: ACMG Guidelines, 2015. Collection method: clinical testing. Allele origin: germline.